The following is an entry in ClinVar:

NM_000257.4(MYH7):c.4612A>G (p.Met1538Val)

Genes: MHRT (myosin heavy chain associated RNA transcript; plus strand), MYH7 (myosin heavy chain 7; minus strand). Cytogenetic location: 14q11.2.
Variant type: single nucleotide variant.
Coding change: c.4612A>G on transcript NM_000257.4 (MANE Select); coding-DNA position 4612, A replaced by G.
Protein change: p.Met1538Val; replaces methionine 1538 with valine.
Molecular consequence: missense variant.
Genome position (GRCh38, 1-based): chr14:23,416,900, T>C on the plus strand (A>G on the coding strand, the complement: MYH7 is on the minus strand). VCF-style: chr14-23416900-T-C. GRCh37 (hg19) VCF-style: chr14-23886109-T-C.
Other names: c.4612A>G, p.Met1538Val (NM_001407004.1); short protein forms M1538V.
Identifiers: ClinVar variation 3387291 (VCV003387291.1).

ClinVar aggregate classification (germline): Uncertain significance (1 of 4 stars; one submission).

Conditions:
Cardiomyopathy (CMYO). Also called: Cardiomyopathies. Identifiers: Orphanet 167848, MedGen C0878544, MONDO:0004994, HP:0001638. Inheritance: Various modes of inheritance.

Submission:

All of Us Research Program, National Institutes of Health
Classification: Uncertain significance for Cardiomyopathy. Last evaluated: 2024-05-30. Review status: criteria provided, single submitter. Criteria: ACMG Guidelines, 2015. Collection method: clinical testing. Allele origin: germline. Inheritance: Autosomal dominant inheritance. Observed: 1 variant allele, 1 heterozygote.
Comment: This missense variant replaces methionine with valine at codon 1538 of the MYH7 protein. Computational prediction suggests that this variant may not impact protein structure and function (internally defined REVEL score threshold <= 0.5, PMID: 27666373). To our knowledge, functional studies have not been reported for this variant. This variant has not been reported in individuals affected with MYH7-related disorders in the literature. This variant has not been identified in the general population by the Genome Aggregation Database (gnomAD). The available evidence is insufficient to determine the role of this variant in disease conclusively. Therefore, this variant is classified as a Variant of Uncertain Significance.

This study involves interpretation of variants in research participants for the purpose of population health screening. Participant phenotype was not available at the time of variant classification. Additional details can be found in publication PMID: 35346344, PMCID: PMC8962531